The following is an entry in ClinVar:

ClinVar aggregate classification (germline): Uncertain significance. Review status: criteria provided, multiple submitters, no conflicts (2 of 4 stars). 2 submissions from 2 submitters: Uncertain significance (2). Last evaluated 2025-01-22.

Conditions:
Ataxia-telangiectasia syndrome (AT). Also called: Ataxia-telangiectasia; Ataxia-telangiectasia, complementation group D; AT, COMPLEMENTATION GROUP C; Ataxia-telangiectasia, complementation group E; LOUIS-BAR SYNDROME; Cerebello-oculocutaneous telangiectasia. Identifiers: Orphanet 100, MedGen C0004135, MONDO:0008840, OMIM 208900.
Hereditary cancer-predisposing syndrome. Also called: Neoplastic Syndromes, Hereditary; Tumor predisposition; Hereditary Cancer Syndrome; Hereditary neoplastic syndrome. Identifiers: Orphanet 140162, MedGen C0027672, MeSH D009386, MONDO:0015356.

gnomAD v4.1: 1 of 1,614,064 alleles (0.000062%); highest among the groups gnomAD compares: East Asian, 0.0022%; no homozygotes.

Submissions (2):

Labcorp Genetics (formerly Invitae), Labcorp
Classification: Uncertain significance for Ataxia-telangiectasia syndrome. Last evaluated: 2025-01-22. Review status: criteria provided, single submitter. Criteria: Invitae Variant Classification Sherloc (09022015). Collection method: clinical testing. Allele origin: germline.
Comment: This sequence change replaces lysine, which is basic and polar, with glutamine, which is neutral and polar, at codon 2418 of the ATM protein (p.Lys2418Gln). This variant is not present in population databases (gnomAD no frequency). This missense change has been observed in individual(s) with breast cancer (PMID: 30287823). Invitae Evidence Modeling of protein sequence and biophysical properties (such as structural, functional, and spatial information, amino acid conservation, physicochemical variation, residue mobility, and thermodynamic stability) indicates that this missense variant is not expected to disrupt ATM protein function with a negative predictive value of 95%. In summary, the available evidence is currently insufficient to determine the role of this variant in disease. Therefore, it has been classified as a Variant of Uncertain Significance.

Ambry Genetics
Classification: Uncertain significance for Hereditary cancer-predisposing syndrome. Last evaluated: 2024-04-18. Review status: criteria provided, single submitter. Criteria: Ambry Variant Classification Scheme 2023. Collection method: clinical testing. Allele origin: germline.
Comment: The p.K2418Q variant (also known as c.7252A>C), located in coding exon 48 of the ATM gene, results from an A to C substitution at nucleotide position 7252. The lysine at codon 2418 is replaced by glutamine, an amino acid with similar properties. This amino acid position is poorly conserved in available vertebrate species. In addition, this alteration is predicted to be tolerated by in silico analysis. Based on the available evidence, the clinical significance of this variant remains unclear.

Literature cited by the submitters: PubMed 30287823 (cited by Labcorp Genetics (formerly Invitae), Labcorp).

NM_000051.4(ATM):c.7252A>C (p.Lys2418Gln)

Genes: ATM (ATM serine/threonine kinase; plus strand), C11orf65 (chromosome 11 open reading frame 65; minus strand). Cytogenetic location: 11q22.3.
Variant type: single nucleotide variant.
Coding change: c.7252A>C on transcript NM_000051.4 (MANE Select); coding-DNA position 7252, A replaced by C.
Protein change: p.Lys2418Gln; replaces lysine 2418 with glutamine.
Molecular consequence: missense variant. On other transcripts: intron variant (2).
Genome position (GRCh38, 1-based): chr11:108,329,183, A>C. VCF-style: chr11-108329183-A-C. GRCh37 (hg19) VCF-style: chr11-108199910-A-C.
Other names: c.7252A>C, p.Lys2418Gln (NM_001351834.2); c.641-20112T>G (NM_001330368.2); c.*38+6037T>G (NM_001351110.2); short protein forms K2418Q.
Identifiers: ClinVar variation 3325570 (VCV003325570.3).
Genomic context (GRCh38, chr11:108,329,183, plus strand): 5'-TACCAAAGAATTGAAAACTACATGAAATCATCGGAATTTGAAAACAAGCAAGCTCTCCTG[A>C]AAAGAGCCAAAGAGGAAGTAGGTCTCCTTAGGGAACATAAAATTCAGACAAACAGGTAAC-3'
Protein context (NP_000042.3, residues 2408-2428): SEFENKQALL[Lys2418Gln]RAKEEVGLLR